The following is an entry in ClinVar:

ClinVar aggregate classification (germline): Likely benign (1 of 4 stars; one submission).

Submission:

CeGaT Center for Human Genetics Tuebingen
Classification: Likely benign. Last evaluated: 2026-03-01. Review status: criteria provided, single submitter. Criteria: CeGaT Center For Human Genetics Tuebingen Variant Classification Criteria Version 2. Collection method: clinical testing. Allele origin: germline. Affected: yes. Observed: 1 variant allele.
Comment: HERC2: BP4, BP7

NM_004667.6(HERC2):c.6906G>A (p.Ser2302=)

Gene: HERC2 (HECT and RLD domain containing E3 ubiquitin protein ligase 2; minus strand). Cytogenetic location: 15q13.1.
Variant type: single nucleotide variant.
Coding change: c.6906G>A on transcript NM_004667.6 (MANE Select); coding-DNA position 6906, G replaced by A.
Protein change: p.Ser2302=; no amino-acid change (serine 2302 retained).
Molecular consequence: synonymous variant.
Genome position (GRCh38, 1-based): chr15:28,212,464, C>T on the plus strand (G>A on the coding strand, the complement: HERC2 is on the minus strand). VCF-style: chr15-28212464-C-T. GRCh37 (hg19) VCF-style: chr15-28457610-C-T.
Identifiers: ClinVar variation 4281017 (VCV004281017.7).